The following is an entry in ClinVar:

ClinVar aggregate classification (germline): Conflicting classifications of pathogenicity. Review status: criteria provided, conflicting classifications (1 of 4 stars). 13 submissions from 12 submitters: Uncertain significance (3); Benign (1); Likely benign (8). 1 of the submissions does not count toward it. Last evaluated 2026-06-12.

Conditions:
PDGFRA-related disorder. Also called: PDGFRA-related condition.
Polyps, multiple and recurrent inflammatory fibroid, gastrointestinal. Identifiers: MedGen C5193005, MONDO:0008285, OMIM 175510.
Hereditary cancer-predisposing syndrome. Also called: Tumor predisposition; Neoplastic Syndromes, Hereditary; Hereditary Cancer Syndrome; Hereditary neoplastic syndrome. Identifiers: Orphanet 140162, MedGen C0027672, MeSH D009386, MONDO:0015356.
Gastrointestinal stromal tumor. Also called: Gastrointestinal stromal tumor, somatic; Gastrointestinal stroma tumor. Identifiers: Orphanet 44890, MedGen C0238198, MeSH D046152, MONDO:0011719, OMIM 606764, HP:0100723.
Idiopathic hypereosinophilic syndrome (HES). Identifiers: Orphanet 3260, MedGen C0206141, MONDO:0011895, OMIM 607685. Disease mechanism: gain of function.

Allele frequency attached by ClinVar (database versions not stated): ESP Exome Variant Server 0.00031; gnomAD 0.00034; gnomAD exomes 0.00037 and 0.00045; TOPMed 0.00038; 1000 Genomes Project 0.00040; 1000 Genomes Project 30x 0.00047; ExAC 0.00048.
gnomAD v4.1: 704 of 1,613,848 alleles (0.044%); highest among the groups gnomAD compares: Non-Finnish European, 0.056%; no homozygotes.

Submissions (13):

Myriad Genetics, Inc.
Classification: Likely benign for Polyps, multiple and recurrent inflammatory fibroid, gastrointestinal. Last evaluated: 2026-06-12. Review status: criteria provided, single submitter. Criteria: Myriad Autosomal Dominant, Autosomal Recessive and X-Linked Classification Criteria (2023). Collection method: clinical testing. Allele origin: unknown.
Comment: This variant is considered likely benign. This variant has been observed at a population frequency that is significantly greater than expected given the associated disease prevalence and penetrance.

Labcorp Genetics (formerly Invitae), Labcorp
Classification: Likely benign for Gastrointestinal stromal tumor. Last evaluated: 2026-02-03. Review status: criteria provided, single submitter. Criteria: Invitae Variant Classification Sherloc (09022015). Collection method: clinical testing. Allele origin: germline.

CeGaT Center for Human Genetics Tuebingen
Classification: Likely benign. Last evaluated: 2025-02-01. Review status: criteria provided, single submitter. Criteria: CeGaT Center For Human Genetics Tuebingen Variant Classification Criteria Version 2. Collection method: clinical testing. Allele origin: germline. Affected: yes. Observed: 2 variant alleles.
Comment: PDGFRA: BP4, BS2

PreventionGenetics, part of Exact Sciences
Classification: Likely benign for PDGFRA-related condition. Last evaluated: 2025-01-17. Review status: criteria provided, single submitter. Criteria: ACMG Guidelines, 2015. Collection method: clinical testing. Allele origin: germline.
Comment: This variant is classified as likely benign based on ACMG/AMP sequence variant interpretation guidelines (Richards et al. 2015 PMID: 25741868, with internal and published modifications).

Blueprint Genetics
Classification: Likely benign. Last evaluated: 2024-10-03. Review status: criteria provided, single submitter. Criteria: ACMG Guidelines, 2015. Collection method: clinical testing. Allele origin: germline.

St. Jude Molecular Pathology, St. Jude Children's Research Hospital
Classification: Uncertain significance for Polyps, multiple and recurrent inflammatory fibroid, gastrointestinal. Last evaluated: 2024-09-17. Review status: criteria provided, single submitter. Criteria: St. Jude Assertion Criteria 2020. Collection method: clinical testing. Allele origin: germline.
Comment: The PDGFRA c.1285G>A (p.Gly429Arg) missense change has a maximum subpopulation frequency of 0.07% in gnomAD v2.1.1. The in silico tool REVEL predicts a benign effect on protein function, but to our knowledge this prediction has not been confirmed by functional studies. To our knowledge, this variant has not been reported in individuals with PDGFRA-related conditions. In summary, the evidence currently available is insufficient to determine the clinical significance of this variant. It has therefore been classified as of uncertain significance.

Ambry Genetics
Classification: Benign for Hereditary cancer-predisposing syndrome. Last evaluated: 2024-08-20. Review status: criteria provided, single submitter. Criteria: Ambry Variant Classification Scheme 2023. Collection method: clinical testing. Allele origin: germline.

Institute for Clinical Genetics, University Hospital TU Dresden, University Hospital TU Dresden
Classification: Uncertain significance. Last evaluated: 2021-11-03. Review status: criteria provided, single submitter. Criteria: ACMG Guidelines, 2015. Collection method: clinical testing. Allele origin: germline.

GeneDx
Classification: Uncertain significance. Last evaluated: 2021-03-23. Review status: criteria provided, single submitter. Criteria: GeneDx Variant Classification Process June 2021. Collection method: clinical testing. Allele origin: germline. Affected: yes.
Comment: In silico analysis supports that this missense variant does not alter protein structure/function; Observed in individuals with malignant pleural mesothelioma (Bueno 2016); This variant is associated with the following publications: (PMID: 22703879, 26928227, 20071345)

Sema4
Classification: Likely benign for Hereditary cancer-predisposing syndrome. Last evaluated: 2020-11-09. Review status: criteria provided, single submitter. Criteria: Sema4 Curation Guidelines. Collection method: curation. Allele origin: germline.

Illumina Laboratory Services, Illumina
Classification: Likely benign for Gastrointestinal stromal tumor. Last evaluated: 2017-04-27. Review status: criteria provided, single submitter. Criteria: ICSL Variant Classification Criteria 13 December 2019. Collection method: clinical testing. Allele origin: germline.
Comment: This variant was observed as part of a predisposition screen in an ostensibly healthy population. A literature search was performed for the gene, cDNA change, and amino acid change (where applicable). Publications were found based on this search. The evidence from the literature, in combination with allele frequency data from public databases where available, was sufficient to determine this variant is unlikely to cause disease. Therefore, this variant is classified as likely benign.

Illumina Laboratory Services, Illumina
Classification: Likely benign for Idiopathic hypereosinophilic syndrome. Last evaluated: 2017-04-27. Review status: criteria provided, single submitter. Criteria: ICSL Variant Classification Criteria 13 December 2019. Collection method: clinical testing. Allele origin: germline.
Comment: the same text as in the submission from Illumina Laboratory Services, Illumina above.

Biesecker Lab/Clinical Genomics Section, National Institutes of Health
Classification: Uncertain significance. Last evaluated: 2012-07-13. Review status: no assertion criteria provided. Collection method: research. Allele origin: germline. Affected: no. Observed: 1 variant allele. Study: ClinSeq. Not counted in ClinVar's aggregate classification.
ClinVar note: Converted during submission from variant of unknown significance to Uncertain significance.

Literature cited by the submitters: PubMed 20071345 (cited by Ambry Genetics and Illumina Laboratory Services, Illumina); PubMed 26928227 (cited by Ambry Genetics).

NM_006206.6(PDGFRA):c.1285G>A (p.Gly429Arg)

Gene: PDGFRA (platelet derived growth factor receptor alpha; plus strand). Cytogenetic location: 4q12.
Variant type: single nucleotide variant.
Coding change: c.1285G>A on transcript NM_006206.6 (MANE Select); coding-DNA position 1285, G replaced by A.
Protein change: p.Gly429Arg; replaces glycine 429 with arginine.
Molecular consequence: missense variant.
Genome position (GRCh38, 1-based): chr4:54,272,441, G>A. VCF-style: chr4-54272441-G-A. GRCh37 (hg19) VCF-style: chr4-55138608-G-A.
Other names: c.1285G>A, p.Gly429Arg (NM_001347827.2, NM_001347829.2); c.1360G>A, p.Gly454Arg (NM_001347828.2); c.1324G>A, p.Gly442Arg (NM_001347830.2); short protein forms G429R, G454R, G442R.
Identifiers: ClinVar variation 41792 (VCV000041792.46), dbSNP rs150577828, ClinGen allele CA215855.
Genomic context (GRCh38, chr4:54,272,441, plus strand): 5'-CTGCCTCTTGCAGTTCCTTCATCCATTCTGGACTTGGTCGATGATCACCATGGCTCAACT[G>A]GGGGACAGACGGTGAGGTGCACAGCTGAAGGCACGCCGCTTCCTGATATTGAGTGGATGA-3'
Protein context (NP_006197.1, residues 419-439): DLVDDHHGST[Gly429Arg]GQTVRCTAEG